The following is an entry in ClinVar:

ClinVar aggregate classification (germline): Uncertain significance. Review status: criteria provided, multiple submitters, no conflicts (2 of 4 stars). 3 submissions from 3 submitters: Uncertain significance (3). Last evaluated 2025-11-11.

Conditions:
Inborn genetic diseases. Identifiers: MedGen C0950123, MeSH D030342.
Frasier syndrome. Identifiers: Orphanet 347, MedGen C0950122, MeSH D052159, MONDO:0007635, OMIM 136680.
Drash syndrome (DDS). Also called: NEPHROPATHY, WILMS TUMOR, AND GENITAL ANOMALIES; WILMS TUMOR AND PSEUDO- OR TRUE HERMAPHRODITISM. Identifiers: Orphanet 220, MedGen C0950121, MONDO:0008682, OMIM 194080.
Wilms tumor 1 (WT1). Also called: Wilms tumor, somatic. Identifiers: Orphanet 654, MedGen CN033288, MONDO:0008679, OMIM 194070.
11p partial monosomy syndrome (WAGR). Also called: WAGR Spectrum Disorder; CHROMOSOME 11p13 DELETION SYNDROME; WAGR syndrome; WAGR Complex. Identifiers: Orphanet 893, MedGen C0206115, MONDO:0008681, OMIM 194072.

Submissions (3):

Ambry Genetics
Classification: Uncertain significance for Inborn genetic diseases. Last evaluated: 2025-11-11. Review status: criteria provided, single submitter. Criteria: Ambry Variant Classification Scheme 2023. Collection method: clinical testing. Allele origin: germline.
Comment: The p.L106P variant (also known as c.317T>C), located in coding exon 1 of the WT1 gene, results from a T to C substitution at nucleotide position 317. The leucine at codon 106 is replaced by proline, an amino acid with similar properties. This amino acid position is conserved. In addition, the in silico prediction for this alteration is inconclusive. Based on the available evidence, the clinical significance of this variant remains unclear.

GeneDx
Classification: Uncertain significance. Last evaluated: 2024-01-31. Review status: criteria provided, single submitter. Criteria: GeneDx Variant Classification Process June 2021. Collection method: clinical testing. Allele origin: germline. Affected: yes.
Comment: Not observed at significant frequency in large population cohorts (gnomAD); In silico analysis supports that this missense variant has a deleterious effect on protein structure/function; Has not been previously published as pathogenic or benign to our knowledge; This variant is associated with the following publications: (PMID: 8486616)

Labcorp Genetics (formerly Invitae), Labcorp
Classification: Uncertain significance for Wilms tumor 1; Drash syndrome; 11p partial monosomy syndrome; Frasier syndrome. Last evaluated: 2023-11-15. Review status: criteria provided, single submitter. Criteria: Invitae Variant Classification Sherloc (09022015). Collection method: clinical testing. Allele origin: germline.
Comment: This sequence change replaces leucine, which is neutral and non-polar, with proline, which is neutral and non-polar, at codon 106 of the WT1 protein (p.Leu106Pro). This variant is not present in population databases (gnomAD no frequency). This variant has not been reported in the literature in individuals affected with WT1-related conditions. An algorithm developed to predict the effect of missense changes on protein structure and function (PolyPhen-2) suggests that this variant is likely to be disruptive. In summary, the available evidence is currently insufficient to determine the role of this variant in disease. Therefore, it has been classified as a Variant of Uncertain Significance.

NM_024426.6(WT1):c.332T>C (p.Leu111Pro)

Genes: WT1 (WT1 transcription factor; minus strand), LOC107982234 (WT1/WT1-AS bi-directional promoter region; plus strand). Cytogenetic location: 11p13.
Variant type: single nucleotide variant.
Coding change: c.332T>C on transcript NM_024426.6 (MANE Select); coding-DNA position 332, T replaced by C.
Protein change: p.Leu111Pro; replaces leucine 111 with proline.
Molecular consequence: missense variant. On other transcripts: non-coding transcript variant (2).
Genome position (GRCh38, 1-based): chr11:32,435,029, A>G on the plus strand (T>C on the coding strand, the complement: WT1 is on the minus strand). VCF-style: chr11-32435029-A-G. GRCh37 (hg19) VCF-style: chr11-32456575-A-G.
Other names: c.332T>C, p.Leu111Pro (NM_000378.6, NM_001407044.1, NM_001407045.1 and 6 more transcripts); c.317T>C, p.Leu106Pro (NM_024425.2); c.317T>C (NM_024426.4); short protein forms L106P, L111P.
Identifiers: ClinVar variation 2946326 (VCV002946326.5), dbSNP rs2133104708, ClinGen allele CA379965908.